The following is an entry in ClinVar:

NM_001303256.3(MORC2):c.2T>C (p.Met1Thr)

Gene: MORC2 (MORC family CW-type zinc finger 2; minus strand). Cytogenetic location: 22q12.2.
Variant type: single nucleotide variant.
Coding change: c.2T>C on transcript NM_001303256.3 (MANE Select); coding-DNA position 2, T replaced by C.
Protein change: p.Met1Thr; changes the start codon (methionine 1).
Molecular consequence: missense variant, initiator codon variant. On other transcripts: 5 prime UTR variant (1).
Genome position (GRCh38, 1-based): chr22:30,967,888, A>G on the plus strand (T>C on the coding strand, the complement: MORC2 is on the minus strand). VCF-style: chr22-30967888-A-G. GRCh37 (hg19) VCF-style: chr22-31363874-A-G.
Other names: c.2T>C, p.Met1Thr (NM_001303257.2); c.-1051T>C (NM_014941.3); short protein forms M1T.
Identifiers: ClinVar variation 3655768 (VCV003655768.2).

ClinVar aggregate classification (germline): Uncertain significance (1 of 4 stars; one submission).

Conditions:
Charcot-Marie-Tooth disease axonal type 2Z. Also called: CHARCOT-MARIE-TOOTH DISEASE, AXONAL, AUTOSOMAL DOMINANT, TYPE 2Z; CHARCOT-MARIE-TOOTH NEUROPATHY, TYPE 2Z. Identifiers: Orphanet 466768, MedGen C5569025, MONDO:0014736, OMIM 616688.

Submission:

Labcorp Genetics (formerly Invitae), Labcorp
Classification: Uncertain significance for Charcot-Marie-Tooth disease axonal type 2Z. Last evaluated: 2024-06-06. Review status: criteria provided, single submitter. Criteria: Invitae Variant Classification Sherloc (09022015). Collection method: clinical testing. Allele origin: germline.
Comment: This sequence change affects the initiator methionine of the MORC2 mRNA. The next in-frame methionine is located at codon 63. This variant is not present in population databases (gnomAD no frequency). This variant has not been reported in the literature in individuals affected with MORC2-related conditions. Experimental studies and prediction algorithms are not available or were not evaluated, and the functional significance of this variant is currently unknown. In summary, the available evidence is currently insufficient to determine the role of this variant in disease. Therefore, it has been classified as a Variant of Uncertain Significance.